The following is an entry in ClinVar:

ClinVar aggregate classification (germline): Uncertain significance (1 of 4 stars; one submission).

Conditions:
Retinitis pigmentosa 73 (RP73). Identifiers: Orphanet 791, MedGen C4225287, MONDO:0014687, OMIM 616544.
Mucopolysaccharidosis, MPS-III-C (MPS3C). Also called: SANFILIPPO SYNDROME C; MPS III C; Mucopolysaccharidosis type IIIC (Sanfilippo C); MUCOPOLYSACCHARIDOSIS, TYPE IIIC; mucopolysaccharidosis type 3C; MPS IIIC (Sanfilippo Syndrome Type C). Identifiers: Orphanet 581, Orphanet 79271, MedGen C0086649, MONDO:0009657, OMIM 252930.

Allele frequency attached by ClinVar (database versions not stated): TOPMed below 0.00001.
gnomAD v4.1: 1 of 1,235,288 alleles (0.000081%); highest among the groups gnomAD compares: Non-Finnish European, 0.0001%; no homozygotes.

Submission:

Labcorp Genetics (formerly Invitae), Labcorp
Classification: Uncertain significance for Retinitis pigmentosa 73; Mucopolysaccharidosis, MPS-III-C. Last evaluated: 2022-03-29. Review status: criteria provided, single submitter. Criteria: Invitae Variant Classification Sherloc (09022015). Collection method: clinical testing. Allele origin: germline.
Comment: This sequence change replaces aspartic acid, which is acidic and polar, with glutamic acid, which is acidic and polar, at codon 32 of the HGSNAT protein (p.Asp32Glu). This variant is not present in population databases (gnomAD no frequency). This variant has not been reported in the literature in individuals affected with HGSNAT-related conditions. Advanced modeling of protein sequence and biophysical properties (such as structural, functional, and spatial information, amino acid conservation, physicochemical variation, residue mobility, and thermodynamic stability) performed at Invitae indicates that this missense variant is not expected to disrupt HGSNAT protein function. In summary, the available evidence is currently insufficient to determine the role of this variant in disease. Therefore, it has been classified as a Variant of Uncertain Significance.

NM_152419.3(HGSNAT):c.96T>A (p.Asp32Glu)

Genes: HGSNAT (heparan-alpha-glucosaminide N-acetyltransferase; plus strand), LOC130000316 (ATAC-STARR-seq lymphoblastoid silent region 19164; plus strand). Cytogenetic location: 8p11.21.
Variant type: single nucleotide variant.
Coding change: c.96T>A on transcript NM_152419.3 (MANE Select); coding-DNA position 96, T replaced by A.
Protein change: p.Asp32Glu; replaces aspartic acid 32 with glutamic acid.
Molecular consequence: missense variant. On other transcripts: 5 prime UTR variant (1).
Genome position (GRCh38, 1-based): chr8:43,140,592, T>A. VCF-style: chr8-43140592-T-A. GRCh37 (hg19) VCF-style: chr8-42995735-T-A.
Other names: c.96T>A, p.Asp32Glu (NM_001363227.2, NM_001363228.2); c.-738T>A (NM_001363229.2); short protein forms D32E.
Identifiers: ClinVar variation 1933261 (VCV001933261.2), dbSNP rs1348055539, ClinGen allele CA371124669.